The following is an entry in ClinVar:

ClinVar aggregate classification (germline): Uncertain significance. Review status: criteria provided, multiple submitters, no conflicts (2 of 4 stars). 2 submissions from 2 submitters: Uncertain significance (2). Last evaluated 2025-04-17.

Allele frequency attached by ClinVar (database versions not stated): ExAC 0.00007; TOPMed 0.00001; gnomAD exomes 0.00002.
gnomAD v4.1: 7 of 1,594,720 alleles (0.00044%); highest among the groups gnomAD compares: Admixed American, 0.01%; no homozygotes.

Submissions (2):

GeneDx
Classification: Uncertain significance. Last evaluated: 2025-04-17. Review status: criteria provided, single submitter. Criteria: GeneDx Variant Classification Process June 2021. Collection method: clinical testing. Allele origin: germline. Affected: yes.
Comment: In silico analysis indicates that this missense variant does not alter protein structure/function; Has not been previously published as pathogenic or benign to our knowledge

Labcorp Genetics (formerly Invitae), Labcorp
Classification: Uncertain significance. Last evaluated: 2022-10-05. Review status: criteria provided, single submitter. Criteria: Invitae Variant Classification Sherloc (09022015). Collection method: clinical testing. Allele origin: germline.
Comment: This sequence change replaces proline, which is neutral and non-polar, with serine, which is neutral and polar, at codon 410 of the USH1C protein (p.Pro410Ser). The frequency data for this variant in the population databases is considered unreliable, as metrics indicate poor data quality at this position in the gnomAD database. This variant has not been reported in the literature in individuals affected with USH1C-related conditions. ClinVar contains an entry for this variant (Variation ID: 1387738). Algorithms developed to predict the effect of missense changes on protein structure and function (SIFT, PolyPhen-2, Align-GVGD) all suggest that this variant is likely to be tolerated. In summary, the available evidence is currently insufficient to determine the role of this variant in disease. Therefore, it has been classified as a Variant of Uncertain Significance.

NM_005709.4(USH1C):c.1228C>T (p.Pro410Ser)

Gene: USH1C (USH1 protein network component harmonin; minus strand). Cytogenetic location: 11p15.1.
Variant type: single nucleotide variant.
Coding change: c.1228C>T on transcript NM_005709.4 (MANE Plus Clinical); coding-DNA position 1228, C replaced by T.
Protein change: p.Pro410Ser; replaces proline 410 with serine.
Molecular consequence: missense variant. On other transcripts: intron variant (1).
Genome position (GRCh38, 1-based): chr11:17,517,457, G>A on the plus strand (C>T on the coding strand, the complement: USH1C is on the minus strand). VCF-style: chr11-17517457-G-A. GRCh37 (hg19) VCF-style: chr11-17539004-G-A.
Other names: c.1228C>T (NM_005709.3); c.1171C>T, p.Pro391Ser (NM_001297764.2); c.1211-1167C>T (NM_153676.4); short protein forms P391S, P410S.
Identifiers: ClinVar variation 1387738 (VCV001387738.4), dbSNP rs763837481, ClinGen allele CA5904672.